The following is an entry in ClinVar:

ClinVar aggregate classification (germline): Uncertain significance (1 of 4 stars; one submission).

Submission:

Labcorp Genetics (formerly Invitae), Labcorp
Classification: Uncertain significance. Last evaluated: 2021-07-26. Review status: criteria provided, single submitter. Criteria: Invitae Variant Classification Sherloc (09022015). Collection method: clinical testing. Allele origin: germline.
Comment: Algorithms developed to predict the effect of missense changes on protein structure and function are either unavailable or do not agree on the potential impact of this missense change (SIFT: "Tolerated"; PolyPhen-2: "Probably Damaging"; Align-GVGD: "Class C0"). This sequence change replaces alanine with threonine at codon 848 of the ERBB2 protein (p.Ala848Thr). The alanine residue is highly conserved and there is a small physicochemical difference between alanine and threonine. This variant is not present in population databases (ExAC no frequency). This variant has not been reported in the literature in individuals affected with ERBB2-related conditions. In summary, the available evidence is currently insufficient to determine the role of this variant in disease. Therefore, it has been classified as a Variant of Uncertain Significance.

NM_004448.4(ERBB2):c.2542G>A (p.Ala848Thr)

Gene: ERBB2 (erb-b2 receptor tyrosine kinase 2; plus strand). Cytogenetic location: 17q12.
Variant type: single nucleotide variant.
Coding change: c.2542G>A on transcript NM_004448.4 (MANE Select); coding-DNA position 2542, G replaced by A.
Protein change: p.Ala848Thr; replaces alanine 848 with threonine.
Molecular consequence: missense variant. On other transcripts: non-coding transcript variant (1), intron variant (3).
Genome position (GRCh38, 1-based): chr17:39,725,097, G>A. VCF-style: chr17-39725097-G-A. GRCh37 (hg19) VCF-style: chr17-37881350-G-A.
Other names: c.2452G>A, p.Ala818Thr (NM_001005862.3, NM_001382782.1, NM_001382783.1); c.2497G>A, p.Ala833Thr (NM_001289936.2); c.2542G>A, p.Ala848Thr (NM_001289937.2, NM_001382796.1); c.2659G>A, p.Ala887Thr (NM_001382784.1); c.2644G>A, p.Ala882Thr (NM_001382785.1); c.2623G>A, p.Ala875Thr (NM_001382786.1); c.2617G>A, p.Ala873Thr (NM_001382787.1); c.2572G>A, p.Ala858Thr (NM_001382788.1); and 15 more; short protein forms A502T, A762T, A815T, A834T, A836T, A855T, A572T, A832T.
Identifiers: ClinVar variation 1473292 (VCV001473292.8), dbSNP rs2145863965, ClinGen allele CA399304413.